The following is an entry in ClinVar:

NM_198578.4(LRRK2):c.3337A>G (p.Ile1113Val)

Gene: LRRK2 (leucine rich repeat kinase 2; plus strand). Cytogenetic location: 12q12.
Variant type: single nucleotide variant.
Coding change: c.3337A>G on transcript NM_198578.4 (MANE Select); coding-DNA position 3337, A replaced by G.
Protein change: p.Ile1113Val; replaces isoleucine 1113 with valine.
Molecular consequence: missense variant.
Genome position (GRCh38, 1-based): chr12:40,298,483, A>G. VCF-style: chr12-40298483-A-G. GRCh37 (hg19) VCF-style: chr12-40692285-A-G.
Other names: short protein forms I1113V.
Identifiers: ClinVar variation 2489340 (VCV002489340.5), dbSNP rs1191407830, ClinGen allele CA384415237.
Genomic context (GRCh38, chr12:40,298,483, plus strand): 5'-AACCAGCTGTCTTTTGTACCTGAGAACCTCACTGATGTGGTAGAGAAACTGGAGCAGCTC[A>G]TTTTAGAAGGGTAAGAAAGAGCTCATTAAAAATAAAAGGGTTGCCTAAATATGCTGATGT-3'
Protein context (NP_940980.4, residues 1103-1123): TDVVEKLEQL[Ile1113Val]LEGNKISGIC

ClinVar aggregate classification (germline): Uncertain significance. Review status: criteria provided, multiple submitters, no conflicts (2 of 4 stars). 3 submissions from 3 submitters: Uncertain significance (3). Last evaluated 2024-07-23.

Conditions:
Inborn genetic diseases. Identifiers: MedGen C0950123, MeSH D030342.
Autosomal dominant Parkinson disease 8. Also called: Parkinson disease 8, susceptibility to; LRRK2-Related Parkinson Disease; Parkinson disease 8. Identifiers: Orphanet 411602, MedGen C1846862, MONDO:0011764, OMIM 607060.

Allele frequency attached by ClinVar (database versions not stated): gnomAD exomes 0.00001.
gnomAD v4.1: 9 of 1,613,894 alleles (0.00056%); highest among the groups gnomAD compares: Admixed American, 0.0017%; no homozygotes.

Submissions (3):

Labcorp Genetics (formerly Invitae), Labcorp
Classification: Uncertain significance for Autosomal dominant Parkinson disease 8. Last evaluated: 2024-07-23. Review status: criteria provided, single submitter. Criteria: Invitae Variant Classification Sherloc (09022015). Collection method: clinical testing. Allele origin: germline.
Comment: This sequence change replaces isoleucine, which is neutral and non-polar, with valine, which is neutral and non-polar, at codon 1113 of the LRRK2 protein (p.Ile1113Val). This variant is present in population databases (no rsID available, gnomAD 0.003%). This variant has not been reported in the literature in individuals affected with LRRK2-related conditions. ClinVar contains an entry for this variant (Variation ID: 2489340). An algorithm developed to predict the effect of missense changes on protein structure and function outputs the following: PolyPhen-2: "Benign". The valine amino acid residue is found in multiple mammalian species, which suggests that this missense change does not adversely affect protein function. In summary, the available evidence is currently insufficient to determine the role of this variant in disease. Therefore, it has been classified as a Variant of Uncertain Significance.

GeneDx
Classification: Uncertain significance. Last evaluated: 2023-06-15. Review status: criteria provided, single submitter. Criteria: GeneDx Variant Classification Process June 2021. Collection method: clinical testing. Allele origin: germline. Affected: yes.
Comment: Not observed at significant frequency in large population cohorts (gnomAD); In silico analysis supports that this missense variant does not alter protein structure/function; Has not been previously published as pathogenic or benign to our knowledge

Ambry Genetics
Classification: Uncertain significance for Inborn genetic diseases. Last evaluated: 2022-12-08. Review status: criteria provided, single submitter. Criteria: Ambry Variant Classification Scheme 2023. Collection method: clinical testing. Allele origin: germline.
Comment: The p.I1113V variant (also known as c.3337A>G), located in coding exon 24 of the LRRK2 gene, results from an A to G substitution at nucleotide position 3337. The isoleucine at codon 1113 is replaced by valine, an amino acid with highly similar properties. This amino acid position is conserved. In addition, this alteration is predicted to be tolerated by in silico analysis. Since supporting evidence is limited at this time, the clinical significance of this alteration remains unclear.